The following is an entry in ClinVar:

ClinVar aggregate classification (germline): Uncertain significance (1 of 4 stars; one submission).

Allele frequency attached by ClinVar (database versions not stated): gnomAD exomes below 0.00001; gnomAD 0.00001; TOPMed 0.00001.
gnomAD v4.1: 9 of 1,605,192 alleles (0.00056%); highest among the groups gnomAD compares: African/African-American, 0.008%; no homozygotes.

Submission:

Labcorp Genetics (formerly Invitae), Labcorp
Classification: Uncertain significance. Last evaluated: 2022-07-23. Review status: criteria provided, single submitter. Criteria: Invitae Variant Classification Sherloc (09022015). Collection method: clinical testing. Allele origin: germline.
Comment: Algorithms developed to predict the effect of missense changes on protein structure and function are either unavailable or do not agree on the potential impact of this missense change (SIFT: "Tolerated"; PolyPhen-2: "Probably Damaging"; Align-GVGD: "Class C0"). ClinVar contains an entry for this variant (Variation ID: 1522645). This variant has not been reported in the literature in individuals affected with HSPG2-related conditions. The frequency data for this variant in the population databases is considered unreliable, as metrics indicate poor data quality at this position in the gnomAD database. This sequence change replaces serine, which is neutral and polar, with cysteine, which is neutral and slightly polar, at codon 1507 of the HSPG2 protein (p.Ser1507Cys). In summary, the available evidence is currently insufficient to determine the role of this variant in disease. Therefore, it has been classified as a Variant of Uncertain Significance.

NM_005529.7(HSPG2):c.4519A>T (p.Ser1507Cys)

Gene: HSPG2 (heparan sulfate proteoglycan 2; minus strand). Cytogenetic location: 1p36.12.
Variant type: single nucleotide variant.
Coding change: c.4519A>T on transcript NM_005529.7 (MANE Select); coding-DNA position 4519, A replaced by T.
Protein change: p.Ser1507Cys; replaces serine 1507 with cysteine.
Molecular consequence: missense variant.
Genome position (GRCh38, 1-based): chr1:21,864,950, T>A on the plus strand (A>T on the coding strand, the complement: HSPG2 is on the minus strand). VCF-style: chr1-21864950-T-A. GRCh37 (hg19) VCF-style: chr1-22191443-T-A.
Other names: c.4522A>T, p.Ser1508Cys (NM_001291860.2); short protein forms S1507C, S1508C.
Identifiers: ClinVar variation 1522645 (VCV001522645.8), dbSNP rs557789671, ClinGen allele CA19135190.